The following is an entry in ClinVar:

ClinVar aggregate classification (germline): Uncertain significance (1 of 4 stars; one submission).

Submission:

Labcorp Genetics (formerly Invitae), Labcorp
Classification: Uncertain significance. Last evaluated: 2022-08-09. Review status: criteria provided, single submitter. Criteria: Invitae Variant Classification Sherloc (09022015). Collection method: clinical testing. Allele origin: germline.
Comment: A gross deletion of the genomic region encompassing the full coding sequence of the SDHAF1 gene has been identified. The current clinical and genetic evidence is not sufficient to establish whether loss-of-function variants in SDHAF1 cause disease. The boundaries of this event are unknown as they extend beyond the assayed region for this gene and therefore may encompass additional genes. This variant has not been reported in the literature in individuals affected with SDHAF1-related conditions. In summary, the available evidence is currently insufficient to determine the role of this variant in disease. Therefore, it has been classified as a Variant of Uncertain Significance.

NC_000019.9:g.(?_36486177)_(36486524_?)del

Gene: SDHAF1 (succinate dehydrogenase complex assembly factor 1; plus strand). Cytogenetic location: 19q13.12.
Variant type: Deletion.
Identifiers: ClinVar variation 1410067 (VCV001410067.4).